The following is an entry in ClinVar:

ClinVar aggregate classification (germline): Uncertain significance (1 of 4 stars; one submission).

Conditions:
Inborn genetic diseases. Identifiers: MedGen C0950123, MeSH D030342.

Submission:

Ambry Genetics
Classification: Uncertain significance for Inborn genetic diseases. Last evaluated: 2026-04-09. Review status: criteria provided, single submitter. Criteria: Ambry Variant Classification Scheme 2023. Collection method: clinical testing. Allele origin: germline.
Comment: The p.L357R variant (also known as c.1070T>G), located in coding exon 10 of the AKT1 gene, results from a T to G substitution at nucleotide position 1070. The leucine at codon 357 is replaced by arginine, an amino acid with dissimilar properties. This amino acid position is conserved. In addition, this alteration is predicted to be deleterious by in silico analysis. Based on the available evidence, the clinical significance of this variant remains unclear.

NM_001382430.1(AKT1):c.1070T>G (p.Leu357Arg)

Gene: AKT1 (AKT serine/threonine kinase 1; minus strand). Cytogenetic location: 14q32.33.
Variant type: single nucleotide variant.
Coding change: c.1070T>G on transcript NM_001382430.1 (MANE Select); coding-DNA position 1070, T replaced by G.
Protein change: p.Leu357Arg; replaces leucine 357 with arginine.
Molecular consequence: missense variant.
Genome position (GRCh38, 1-based): chr14:104,772,980, A>C on the plus strand (T>G on the coding strand, the complement: AKT1 is on the minus strand). VCF-style: chr14-104772980-A-C. GRCh37 (hg19) VCF-style: chr14-105239317-A-C.
Other names: c.1070T>G, p.Leu357Arg (NM_001014431.2, NM_001014432.2, NM_001382431.1 and 3 more transcripts); short protein forms L357R.
Identifiers: ClinVar variation 4869223 (VCV004869223.1).